The following is an entry in ClinVar:

ClinVar aggregate classification (germline): Uncertain significance (1 of 4 stars; one submission).

Conditions:
DICER1-related tumor predisposition. Also called: DICER1 syndrome; DICER1-related pleuropulmonary blastoma cancer predisposition syndrome. Identifiers: Orphanet 284343, MedGen C3839822, MONDO:0100216.

Submission:

Labcorp Genetics (formerly Invitae), Labcorp
Classification: Uncertain significance for DICER1-related tumor predisposition. Last evaluated: 2021-09-15. Review status: criteria provided, single submitter. Criteria: Invitae Variant Classification Sherloc (09022015). Collection method: clinical testing. Allele origin: germline.
Comment: In summary, the available evidence is currently insufficient to determine the role of this variant in disease. Therefore, it has been classified as a Variant of Uncertain Significance. Algorithms developed to predict the effect of sequence changes on RNA splicing suggest that this variant may create or strengthen a splice site. Algorithms developed to predict the effect of missense changes on protein structure and function are either unavailable or do not agree on the potential impact of this missense change (SIFT: "Deleterious"; PolyPhen-2: "Probably Damaging"; Align-GVGD: "Class C15"). This variant has not been reported in the literature in individuals affected with DICER1-related conditions. This variant is not present in population databases (ExAC no frequency). This sequence change replaces aspartic acid with tyrosine at codon 421 of the DICER1 protein (p.Asp421Tyr). The aspartic acid residue is highly conserved and there is a large physicochemical difference between aspartic acid and tyrosine.

NM_177438.3(DICER1):c.1261G>T (p.Asp421Tyr)

Gene: DICER1 (dicer 1, ribonuclease III; minus strand). Cytogenetic location: 14q32.13.
Variant type: single nucleotide variant.
Coding change: c.1261G>T on transcript NM_177438.3 (MANE Select); coding-DNA position 1261, G replaced by T.
Protein change: p.Asp421Tyr; replaces aspartic acid 421 with tyrosine.
Molecular consequence: missense variant.
Genome position (GRCh38, 1-based): chr14:95,124,311, C>A on the plus strand (G>T on the coding strand, the complement: DICER1 is on the minus strand). VCF-style: chr14-95124311-C-A. GRCh37 (hg19) VCF-style: chr14-95590648-C-A.
Other names: c.1261G>T, p.Asp421Tyr (NM_001195573.1, NM_001271282.3, NM_001291628.2 and 1 more transcripts); short protein forms D421Y.
Identifiers: ClinVar variation 657117 (VCV000657117.8), dbSNP rs1595438495, ClinGen allele CA390886444.